The following is an entry in ClinVar:

NM_020738.4(KIDINS220):c.4551A>G (p.Gln1517=)

Gene: KIDINS220 (kinase D interacting substrate 220; minus strand). Cytogenetic location: 2p25.1.
Variant type: single nucleotide variant.
Coding change: c.4551A>G on transcript NM_020738.4 (MANE Select); coding-DNA position 4551, A replaced by G.
Protein change: p.Gln1517=; no amino-acid change (glutamine 1517 retained).
Molecular consequence: synonymous variant. On other transcripts: intron variant (6).
Genome position (GRCh38, 1-based): chr2:8,731,485, T>C on the plus strand (A>G on the coding strand, the complement: KIDINS220 is on the minus strand). VCF-style: chr2-8731485-T-C. GRCh37 (hg19) VCF-style: chr2-8871615-T-C.
Other names: c.4554A>G, p.Gln1518= (NM_001348729.2); c.4497A>G, p.Gln1499= (NM_001348731.2); c.4494A>G, p.Gln1498= (NM_001348732.2); c.4383A>G, p.Gln1461= (NM_001348734.2); c.4380A>G, p.Gln1460= (NM_001348735.2); c.4254A>G, p.Gln1418= (NM_001348736.2); c.3882+1959A>G (NM_001348741.2, NM_001348742.2, NM_001348743.2); c.3996+1959A>G (NM_001348738.2); and 2 more.
Identifiers: ClinVar variation 1565954 (VCV001565954.41), dbSNP rs200002699, ClinGen allele CA1519350.

ClinVar aggregate classification (germline): Benign/Likely benign. Review status: criteria provided, multiple submitters, no conflicts (2 of 4 stars). 4 submissions from 4 submitters: Benign (1); Likely benign (2). 1 of the submissions does not count toward it. Last evaluated 2026-04-01.

Conditions:
KIDINS220-related disorder. Also called: KIDINS220-related condition.

Allele frequency attached by ClinVar (database versions not stated): gnomAD exomes 0.00014 and 0.00022; gnomAD 0.00015 and 0.00018; ExAC 0.00017; ESP Exome Variant Server 0.00017; TOPMed 0.00019; 1000 Genomes Project 0.00020; 1000 Genomes Project 30x 0.00031.
gnomAD v4.1: 253 of 1,614,214 alleles (0.016%); highest among the groups gnomAD compares: Middle Eastern, 0.13%; 1 homozygote.

Submissions (4):

CeGaT Center for Human Genetics Tuebingen
Classification: Likely benign. Last evaluated: 2026-04-01. Review status: criteria provided, single submitter. Criteria: CeGaT Center For Human Genetics Tuebingen Variant Classification Criteria Version 2. Collection method: clinical testing. Allele origin: germline. Affected: yes. Observed: 4 variant alleles.
Comment: KIDINS220: BP4, BP7

Labcorp Genetics (formerly Invitae), Labcorp
Classification: Benign. Last evaluated: 2025-12-03. Review status: criteria provided, single submitter. Criteria: Invitae Variant Classification Sherloc (09022015). Collection method: clinical testing. Allele origin: germline.

Blueprint Genetics
Classification: Likely benign. Last evaluated: 2024-11-05. Review status: criteria provided, single submitter. Criteria: ACMG Guidelines, 2015. Collection method: clinical testing. Allele origin: germline.

PreventionGenetics, part of Exact Sciences
Classification: Likely benign for KIDINS220-related condition. Last evaluated: 2021-08-11. Review status: no assertion criteria provided. Collection method: clinical testing. Allele origin: germline. Not counted in ClinVar's aggregate classification.
Comment: This variant is classified as likely benign based on ACMG/AMP sequence variant interpretation guidelines (Richards et al. 2015 PMID: 25741868, with internal and published modifications).